The following is an entry in ClinVar:

ClinVar aggregate classification (germline): Conflicting classifications of pathogenicity. Review status: no assertion criteria provided (0 of 4 stars). 3 submissions from 2 submitters: Pathogenic (2); Uncertain significance (1). Last evaluated 2014-04-01.

Conditions:
Parkinson disease 21 (PARK21). Identifiers: Orphanet 411602, MedGen C4225353, MONDO:0014604, OMIM 616361.
Essential tremor. Identifiers: MedGen C0270736, MONDO:0003233.
Parkinson disease, late-onset (PD). Also called: Susceptibility to Parkinson's Disease; PARKINSON DISEASE, LATE-ONSET, SUSCEPTIBILITY TO; Hereditary late onset Parkinson disease. Identifiers: Orphanet 411602, MedGen C3160718, MONDO:0008199, OMIM 168600.

Allele frequency attached by ClinVar (database versions not stated): gnomAD exomes below 0.00001; TOPMed 0.00003; gnomAD 0.00004 and 0.00003.
gnomAD v4.1: 26 of 1,601,840 alleles (0.0016%); highest among the groups gnomAD compares: Admixed American, 0.0035%; no homozygotes.

Submissions (3):

OMIM
Classification: Uncertain significance for RECLASSIFIED - VARIANT OF UNKNOWN SIGNIFICANCE. Last evaluated: 2014-04-01. Review status: no assertion criteria provided. Collection method: literature only. Allele origin: germline.

CVG, University of British Columbia
Classification: Pathogenic for Essential tremor. Last evaluated: 2013-06-03. Review status: no assertion criteria provided. Collection method: research. Allele origin: germline. Affected: yes.

CVG, University of British Columbia
Classification: Pathogenic for Parkinson's disease. Review status: no assertion criteria provided. Collection method: not provided. Allele origin: unknown.
ClinVar note: Converted during submission from pathogenic to Pathogenic.

Literature cited by the submitters: PubMed 27270108 (cited by OMIM); PubMed 24218364 (cited by OMIM and CVG, University of British Columbia); PubMed 25118025 (cited by CVG, University of British Columbia).

NM_015268.4(DNAJC13):c.2564A>G (p.Asn855Ser)

Gene: DNAJC13 (DnaJ heat shock protein family (Hsp40) member C13; plus strand). Cytogenetic location: 3q22.1.
Variant type: single nucleotide variant.
Coding change: c.2564A>G on transcript NM_015268.4 (MANE Select); coding-DNA position 2564, A replaced by G.
Protein change: p.Asn855Ser; replaces asparagine 855 with serine.
Molecular consequence: missense variant.
Genome position (GRCh38, 1-based): chr3:132,477,995, A>G. VCF-style: chr3-132477995-A-G. GRCh37 (hg19) VCF-style: chr3-132196839-A-G.
Other names: DNAJC13 N855S; c.2579A>G, p.Asn860Ser (NM_001329126.2); short protein forms N855S, N860S.
Identifiers: ClinVar variation 56171 (VCV000056171.2), dbSNP rs387907571, ClinGen allele CA199652.